The following is an entry in ClinVar:

NM_000179.3(MSH6):c.469_470dup (p.Glu158fs)

Gene: MSH6 (mutS homolog 6; plus strand). Cytogenetic location: 2p16.3.
Variant type: Duplication.
Coding change: c.469_470dup on transcript NM_000179.3 (MANE Select); coding-DNA positions 469 to 470, 2 bases duplicated (AA; older notation c.469_470dupAA).
Protein change: p.Glu158fs; shifts the reading frame from glutamic acid 158.
Molecular consequence: frameshift variant. On other transcripts: 5 prime UTR variant (1), intron variant (2).
Genome position (GRCh38, 1-based): chr2:47,795,905-47,795,906, AA duplicated; duplicating any 2 consecutive bases within chr2:47,795,904-47,795,906 gives the same sequence; the c. name uses the placement nearest the transcript's 3' end. VCF-style (leftmost placement, unchanged base first): chr2-47795903-C-CAA. GRCh37 (hg19) VCF-style: chr2-48023042-C-CAA.
Other names: c.-434_-433dup (NM_001281494.2); c.-279-2706_-279-2705dup (NM_001281493.2); c.238-2706_238-2705dup (NM_001281492.2); c.469_470dupAA (NM_000179.2); short protein forms E158fs.
Identifiers: ClinVar variation 419195 (VCV000419195.5), dbSNP rs1553411392, ClinGen allele CA16617629.
Genomic context (GRCh38, chr2:47,795,903, plus strand): 5'-CGTGAGCCTCTGCACCCGGCCCTTATTGTTTATAAATACATTTCTTTCTAGGTTCAAAAT[C>CAA]AAAGGAAGCCCAGAAGGGAGGTCATTTTTACAGTGCAAAGCCTGAAATACTGAGAGCAAT-3'

ClinVar aggregate classification (germline): Pathogenic. Review status: criteria provided, multiple submitters, no conflicts (2 of 4 stars). 4 submissions from 4 submitters: Pathogenic (4). Last evaluated 2024-10-02.

Conditions:
Hereditary nonpolyposis colorectal neoplasms. Identifiers: MedGen C0009405, MeSH D003123.
Lynch syndrome 5 (LYNCH5). Also called: Hereditary non-polyposis colorectal cancer, type 5; Colorectal cancer, hereditary nonpolyposis, type 5. Identifiers: Orphanet 144, MedGen C1833477, MONDO:0013710, OMIM 614350. Disease mechanism: loss of function.
Hereditary cancer-predisposing syndrome. Also called: Hereditary neoplastic syndrome; Tumor predisposition; Neoplastic Syndromes, Hereditary; Hereditary Cancer Syndrome. Identifiers: Orphanet 140162, MedGen C0027672, MeSH D009386, MONDO:0015356.

Submissions (4):

Labcorp Genetics (formerly Invitae), Labcorp
Classification: Pathogenic for Hereditary nonpolyposis colorectal neoplasms. Last evaluated: 2024-10-02. Review status: criteria provided, single submitter. Criteria: Invitae Variant Classification Sherloc (09022015). Collection method: clinical testing. Allele origin: germline.
Comment: This sequence change creates a premature translational stop signal (p.Glu158Argfs*17) in the MSH6 gene. It is expected to result in an absent or disrupted protein product. Loss-of-function variants in MSH6 are known to be pathogenic (PMID: 18269114, 24362816). This variant is not present in population databases (gnomAD no frequency). This variant has not been reported in the literature in individuals affected with MSH6-related conditions. ClinVar contains an entry for this variant (Variation ID: 419195). For these reasons, this variant has been classified as Pathogenic.

Ambry Genetics
Classification: Pathogenic for Hereditary cancer-predisposing syndrome. Last evaluated: 2024-03-14. Review status: criteria provided, single submitter. Criteria: Ambry Variant Classification Scheme 2023. Collection method: clinical testing. Allele origin: germline.
Comment: The c.469_470dupAA pathogenic mutation, located in coding exon 3 of the MSH6 gene, results from a duplication of AA at nucleotide position 469, causing a translational frameshift with a predicted alternate stop codon (p.E158Rfs*17). This variant is considered to be rare based on population cohorts in the Genome Aggregation Database (gnomAD). This alteration is expected to result in loss of function by premature protein truncation or nonsense-mediated mRNA decay. As such, this alteration is interpreted as a disease-causing mutation.

Myriad Genetics, Inc.
Classification: Pathogenic for Lynch syndrome 5. Last evaluated: 2023-08-10. Review status: criteria provided, single submitter. Criteria: Myriad Autosomal Dominant, Autosomal Recessive and X-Linked Classification Criteria (2023). Collection method: clinical testing. Allele origin: unknown.
Comment: This variant is considered pathogenic. This variant creates a frameshift predicted to result in premature protein truncation.

GeneDx
Classification: Pathogenic. Last evaluated: 2015-06-09. Review status: criteria provided, single submitter. Criteria: GeneDx Variant Classification (06012015). Collection method: clinical testing. Allele origin: germline. Affected: yes.
Comment: This duplication of 2 nucleotides in MSH6 is denoted c.469_470dupAA at the cDNA level and p.Glu158ArgfsX17 (E158RfsX17) at the protein level. The normal sequence, with the bases that are duplicated in braces, is ATCA[AA]GGAAG. The duplication causes a frameshift, which changes a Glutamic Acid to an Arginine at codon 158, and creates a premature stop codon at position 17 of the new reading frame. Although this variant has not, to our knowledge, been reported in the literature, it is predicted to cause loss of normal protein function through either protein truncation or nonsense-mediated mRNA decay. we consider this variant to be pathogenic.

Literature cited by the submitters: PubMed 18269114 (cited by Labcorp Genetics (formerly Invitae), Labcorp); PubMed 24362816 (cited by Labcorp Genetics (formerly Invitae), Labcorp).